The following is an entry in ClinVar:

NM_007194.4(CHEK2):c.1108G>T (p.Gly370Trp)

Gene: CHEK2 (checkpoint kinase 2; minus strand). Cytogenetic location: 22q12.1.
Variant type: single nucleotide variant.
Coding change: c.1108G>T on transcript NM_007194.4 (MANE Select); coding-DNA position 1108, G replaced by T.
Protein change: p.Gly370Trp; replaces glycine 370 with tryptophan.
Molecular consequence: missense variant.
Genome position (GRCh38, 1-based): chr22:28,695,861, C>A on the plus strand (G>T on the coding strand, the complement: CHEK2 is on the minus strand). VCF-style: chr22-28695861-C-A. GRCh37 (hg19) VCF-style: chr22-29091849-C-A.
Other names: c.1237G>T, p.Gly413Trp (NM_001005735.3); c.445G>T, p.Gly149Trp (NM_001257387.3); c.907G>T, p.Gly303Trp (NM_001349956.3); c.1021G>T, p.Gly341Trp (NM_145862.3); short protein forms G341W, G370W, G149W, G303W, G413W.
Identifiers: ClinVar variation 1794376 (VCV001794376.7), dbSNP rs1555913924, ClinGen allele CA411097142.

ClinVar aggregate classification (germline): Uncertain significance. Review status: criteria provided, multiple submitters, no conflicts (2 of 4 stars). 2 submissions from 2 submitters: Uncertain significance (2). Last evaluated 2023-09-17.

Conditions:
Hereditary cancer-predisposing syndrome. Also called: Tumor predisposition; Hereditary Cancer Syndrome; Neoplastic Syndromes, Hereditary; Hereditary neoplastic syndrome. Identifiers: Orphanet 140162, MedGen C0027672, MeSH D009386, MONDO:0015356.
Familial cancer of breast. Also called: Hereditary breast cancer; BREAST CANCER, FAMILIAL; hereditary breast carcinoma. Identifiers: Orphanet 227535, MedGen C0346153, MONDO:0016419, OMIM 114480. Disease mechanism: loss of function.

Submissions (2):

Labcorp Genetics (formerly Invitae), Labcorp
Classification: Uncertain significance for Familial cancer of breast. Last evaluated: 2023-09-17. Review status: criteria provided, single submitter. Criteria: Invitae Variant Classification Sherloc (09022015). Collection method: clinical testing. Allele origin: germline.
Comment: In summary, the available evidence is currently insufficient to determine the role of this variant in disease. Therefore, it has been classified as a Variant of Uncertain Significance. An algorithm developed to predict the effect of missense changes on protein structure and function (PolyPhen-2) suggests that this variant is likely to be disruptive. ClinVar contains an entry for this variant (Variation ID: 1794376). This variant has not been reported in the literature in individuals affected with CHEK2-related conditions. This variant is not present in population databases (gnomAD no frequency). This sequence change replaces glycine, which is neutral and non-polar, with tryptophan, which is neutral and slightly polar, at codon 370 of the CHEK2 protein (p.Gly370Trp).

Ambry Genetics
Classification: Uncertain significance for Hereditary cancer-predisposing syndrome. Last evaluated: 2022-10-20. Review status: criteria provided, single submitter. Criteria: Ambry Variant Classification Scheme 2023. Collection method: clinical testing. Allele origin: germline.
Comment: The p.G370W variant (also known as c.1108G>T), located in coding exon 10 of the CHEK2 gene, results from a G to T substitution at nucleotide position 1108. The glycine at codon 370 is replaced by tryptophan, an amino acid with highly dissimilar properties. This amino acid position is conserved. In addition, this alteration is predicted to be deleterious by in silico analysis. Since supporting evidence is limited at this time, the clinical significance of this alteration remains unclear.